The following is an entry in ClinVar:

NM_032242.4(PLXNA1):c.1523C>A (p.Thr508Lys)

Gene: PLXNA1 (plexin A1; plus strand). Cytogenetic location: 3q21.3.
Variant type: single nucleotide variant.
Coding change: c.1523C>A on transcript NM_032242.4 (MANE Select); coding-DNA position 1523, C replaced by A.
Protein change: p.Thr508Lys; replaces threonine 508 with lysine.
Molecular consequence: missense variant.
Genome position (GRCh38, 1-based): chr3:127,004,615, C>A. VCF-style: chr3-127004615-C-A. GRCh37 (hg19) VCF-style: chr3-126723458-C-A.
Other names: short protein forms T508K.
Identifiers: ClinVar variation 1710447 (VCV001710447.3), dbSNP rs748424966, ClinGen allele CA354379255.

ClinVar aggregate classification (germline): Uncertain significance (1 of 4 stars; one submission).

Allele frequency attached by ClinVar (database versions not stated): TOPMed below 0.00001; gnomAD 0.00001.

Submission:

Greenwood Genetic Center Diagnostic Laboratories, Greenwood Genetic Center
Classification: Uncertain significance. Last evaluated: 2022-07-25. Review status: criteria provided, single submitter. Criteria: ACMG Guidelines, 2015. Collection method: clinical testing. Allele origin: germline. Affected: yes.
Comment: Gene of Uncertain Significance